The following is an entry in ClinVar:

NM_020686.6(ABAT):c.1139A>G (p.Asn380Ser)

Gene: ABAT (4-aminobutyrate aminotransferase; plus strand). Cytogenetic location: 16p13.2.
Variant type: single nucleotide variant.
Coding change: c.1139A>G on transcript NM_020686.6 (MANE Select); coding-DNA position 1139, A replaced by G.
Protein change: p.Asn380Ser; replaces asparagine 380 with serine.
Molecular consequence: missense variant.
Genome position (GRCh38, 1-based): chr16:8,776,360, A>G. VCF-style: chr16-8776360-A-G. GRCh37 (hg19) VCF-style: chr16-8870217-A-G.
Other names: c.1139A>G, p.Asn380Ser (NM_000663.5, NM_001127448.2, NM_001386600.1 and 6 more transcripts); c.1100A>G, p.Asn367Ser (NM_001386605.1); c.1076A>G, p.Asn359Ser (NM_001386606.1, NM_001386607.1); c.1046A>G, p.Asn349Ser (NM_001386608.1); c.1004A>G, p.Asn335Ser (NM_001386610.1, NM_001386611.1); c.941A>G, p.Asn314Ser (NM_001386612.1, NM_001386613.1); c.893A>G, p.Asn298Ser (NM_001386614.1); c.1235A>G, p.Asn412Ser (NM_001386615.1); short protein forms N380S, N298S, N314S, N335S, N349S, N359S, N367S, N412S.
Identifiers: ClinVar variation 460321 (VCV000460321.11), dbSNP rs1555493454, ClinGen allele CA394690166.
Genomic context (GRCh38, chr16:8,776,360, plus strand): 5'-TGTGCATGTGTGTGAAGCCTTCCAACACCCGTTCCTCATTCCAGCCCTACCGGATCTTCA[A>G]CACCTGGCTGGGGGACCCGTCCAAGAACCTGTTGCTGGCTGAGGTCATCAACATCATCAA-3'
Protein context (NP_065737.2, residues 370-390): FRPNAPYRIF[Asn380Ser]TWLGDPSKNL

ClinVar aggregate classification (germline): Uncertain significance (1 of 4 stars; one submission).

Conditions:
Gamma-aminobutyric acid transaminase deficiency (GABATD). Also called: GABA transaminase deficiency; Gamma aminobutyrate transaminase deficiency; 4 alpha aminobutyrate transaminase deficiency; GABA aminotransaminase deficiency. Identifiers: Orphanet 2066, MedGen C0342708, MONDO:0013166, OMIM 613163.

Submission:

Labcorp Genetics (formerly Invitae), Labcorp
Classification: Uncertain significance for Gamma-aminobutyric acid transaminase deficiency. Last evaluated: 2019-07-11. Review status: criteria provided, single submitter. Criteria: Invitae Variant Classification Sherloc (09022015). Collection method: clinical testing. Allele origin: germline.
Comment: Algorithms developed to predict the effect of missense changes on protein structure and function do not agree on the potential impact of this missense change (SIFT: "Deleterious"; PolyPhen-2: "Benign"; Align-GVGD: "Class C0"). Algorithms developed to predict the effect of sequence changes on RNA splicing suggest that this variant may create or strengthen a splice site, but this prediction has not been confirmed by published transcriptional studies. In summary, this variant has uncertain impact on ABAT function. The available evidence is currently insufficient to determine its role in disease. Therefore, it has been classified as a Variant of Uncertain Significance. This variant has not been reported in the literature in individuals with a ABAT-related disease. This sequence change replaces asparagine with serine at codon 380 of the ABAT protein (p.Asn380Ser). The asparagine residue is highly conserved and there is a small physicochemical difference between asparagine and serine. This variant is not present in population databases (ExAC no frequency).